The following is an entry in ClinVar:

NM_000236.3(LIPC):c.251T>A (p.Val84Glu)

Gene: LIPC (lipase C, hepatic type; plus strand). Cytogenetic location: 15q21.3.
Variant type: single nucleotide variant.
Coding change: c.251T>A on transcript NM_000236.3 (MANE Select); coding-DNA position 251, T replaced by A.
Protein change: p.Val84Glu; replaces valine 84 with glutamic acid.
Molecular consequence: missense variant.
Genome position (GRCh38, 1-based): chr15:58,538,495, T>A. VCF-style: chr15-58538495-T-A. GRCh37 (hg19) VCF-style: chr15-58830694-T-A.
Other names: short protein forms V84E.
Identifiers: ClinVar variation 4769893 (VCV004769893.1).

ClinVar aggregate classification (germline): Uncertain significance (1 of 4 stars; one submission).

Submission:

Labcorp Genetics (formerly Invitae), Labcorp
Classification: Uncertain significance. Last evaluated: 2025-02-05. Review status: criteria provided, single submitter. Criteria: Invitae Variant Classification Sherloc (09022015). Collection method: clinical testing. Allele origin: germline.
Comment: This sequence change replaces valine, which is neutral and non-polar, with glutamic acid, which is acidic and polar, at codon 84 of the LIPC protein (p.Val84Glu). This variant is not present in population databases (gnomAD no frequency). This variant has not been reported in the literature in individuals affected with LIPC-related conditions. Invitae Evidence Modeling of protein sequence and biophysical properties (such as structural, functional, and spatial information, amino acid conservation, physicochemical variation, residue mobility, and thermodynamic stability) indicates that this missense variant is expected to disrupt LIPC protein function with a positive predictive value of 80%. In summary, the available evidence is currently insufficient to determine the role of this variant in disease. Therefore, it has been classified as a Variant of Uncertain Significance.